The following is an entry in ClinVar:

ClinVar aggregate classification (germline): Uncertain significance. Review status: criteria provided, multiple submitters, no conflicts (2 of 4 stars). 2 submissions from 2 submitters: Uncertain significance (2). Last evaluated 2025-06-18.

Conditions:
Inborn genetic diseases. Identifiers: MedGen C0950123, MeSH D030342.

Allele frequency attached by ClinVar (database versions not stated): TOPMed 0.00006; gnomAD 0.00007; ESP Exome Variant Server 0.00008; ExAC 0.00011; gnomAD exomes 0.00018.
gnomAD v4.1: 260 of 1,614,062 alleles (0.016%); highest among the groups gnomAD compares: Non-Finnish European, 0.021%; no homozygotes.

Submissions (2):

Ambry Genetics
Classification: Uncertain significance for Inborn genetic diseases. Last evaluated: 2025-06-18. Review status: criteria provided, single submitter. Criteria: Ambry Variant Classification Scheme 2023. Collection method: clinical testing. Allele origin: germline.

Labcorp Genetics (formerly Invitae), Labcorp
Classification: Uncertain significance. Last evaluated: 2024-10-12. Review status: criteria provided, single submitter. Criteria: Invitae Variant Classification Sherloc (09022015). Collection method: clinical testing. Allele origin: germline.
Comment: This sequence change replaces arginine, which is basic and polar, with tryptophan, which is neutral and slightly polar, at codon 3585 of the VPS13D protein (p.Arg3585Trp). This variant is present in population databases (rs144581204, gnomAD 0.02%). This variant has not been reported in the literature in individuals affected with VPS13D-related conditions. ClinVar contains an entry for this variant (Variation ID: 2057798). Invitae Evidence Modeling of protein sequence and biophysical properties (such as structural, functional, and spatial information, amino acid conservation, physicochemical variation, residue mobility, and thermodynamic stability) indicates that this missense variant is not expected to disrupt VPS13D protein function with a negative predictive value of 80%. In summary, the available evidence is currently insufficient to determine the role of this variant in disease. Therefore, it has been classified as a Variant of Uncertain Significance.

NM_015378.4(VPS13D):c.10753C>T (p.Arg3585Trp)

Gene: VPS13D (vacuolar protein sorting 13 homolog D; plus strand). Cytogenetic location: 1p36.22.
Variant type: single nucleotide variant.
Coding change: c.10753C>T on transcript NM_015378.4 (MANE Select); coding-DNA position 10753, C replaced by T.
Protein change: p.Arg3585Trp; replaces arginine 3585 with tryptophan.
Molecular consequence: missense variant.
Genome position (GRCh38, 1-based): chr1:12,369,647, C>T. VCF-style: chr1-12369647-C-T. GRCh37 (hg19) VCF-style: chr1-12429702-C-T.
Other names: c.10678C>T, p.Arg3560Trp (NM_018156.4); short protein forms R3560W, R3585W.
Identifiers: ClinVar variation 2057798 (VCV002057798.4), dbSNP rs144581204, ClinGen allele CA603772.